The following is an entry in ClinVar:

ClinVar aggregate classification (germline): Uncertain significance (1 of 4 stars; one submission).

Submission:

Labcorp Genetics (formerly Invitae), Labcorp
Classification: Uncertain significance. Last evaluated: 2023-10-09. Review status: criteria provided, single submitter. Criteria: Invitae Variant Classification Sherloc (09022015). Collection method: clinical testing. Allele origin: germline.
Comment: This sequence change creates a premature translational stop signal (p.Leu659Profs*63) in the SAMD9L gene. While this is not anticipated to result in nonsense mediated decay, it is expected to disrupt the last 926 amino acid(s) of the SAMD9L protein. This variant is not present in population databases (gnomAD no frequency). This variant has not been reported in the literature in individuals affected with SAMD9L-related conditions. In summary, the available evidence is currently insufficient to determine the role of this variant in disease. Therefore, it has been classified as a Variant of Uncertain Significance.

NM_152703.5(SAMD9L):c.1976del (p.Leu659fs)

Gene: SAMD9L (sterile alpha motif domain containing 9 like; minus strand). Cytogenetic location: 7q21.2.
Variant type: Deletion.
Coding change: c.1976del on transcript NM_152703.5 (MANE Select); coding-DNA position 1976, one base deleted (T; older notation c.1976delT).
Protein change: p.Leu659fs; shifts the reading frame from leucine 659.
Molecular consequence: frameshift variant.
Genome position (GRCh38, 1-based): chr7:93,133,996, A deleted on the plus strand (T on the coding strand, the reverse complement: SAMD9L is on the minus strand). VCF-style (leftmost placement, unchanged base first): chr7-93133995-GA-G. GRCh37 (hg19) VCF-style: chr7-92763308-GA-G.
Other names: c.1976del, p.Leu659fs (NM_001303500.3, NM_001350082.2, NM_001350083.2 and 5 more transcripts); short protein forms L659fs.
Identifiers: ClinVar variation 2767118 (VCV002767118.3), dbSNP rs2535423712, ClinGen allele CA2697557413.